The following is an entry in ClinVar:

NM_052947.4(ALPK2):c.5025G>A (p.Lys1675=)

Genes: ALPK2 (alpha kinase 2; minus strand), LOC130062577 (ATAC-STARR-seq lymphoblastoid active region 13389; plus strand). Cytogenetic location: 18q21.31.
Variant type: single nucleotide variant.
Coding change: c.5025G>A on transcript NM_052947.4 (MANE Select); coding-DNA position 5025, G replaced by A.
Protein change: p.Lys1675=; no amino-acid change (lysine 1675 retained).
Molecular consequence: synonymous variant.
Genome position (GRCh38, 1-based): chr18:58,535,162, C>T on the plus strand (G>A on the coding strand, the complement: ALPK2 is on the minus strand). VCF-style: chr18-58535162-C-T. GRCh37 (hg19) VCF-style: chr18-56202394-C-T.
Identifiers: ClinVar variation 3058849 (VCV003058849.2), dbSNP rs7240355, ClinGen allele CA8976595.

ClinVar aggregate classification (germline): Benign (0 of 4 stars; one submission).

Conditions:
ALPK2-related disorder. Also called: ALPK2-related condition.

Allele frequency attached by ClinVar (database versions not stated): 1000 Genomes Project 30x 0.07152; 1000 Genomes Project 0.07208; TOPMed 0.09756; gnomAD 0.10030; ExAC 0.10520; ESP Exome Variant Server 0.11233.
gnomAD v4.1: 199,589 of 1,613,940 alleles (12%); highest among the groups gnomAD compares: Middle Eastern, 15%; 13,321 homozygotes.

Submission:

PreventionGenetics, part of Exact Sciences
Classification: Benign for ALPK2-related condition. Last evaluated: 2019-10-21. Review status: no assertion criteria provided. Collection method: clinical testing. Allele origin: germline.
Comment: This variant is classified as benign based on ACMG/AMP sequence variant interpretation guidelines (Richards et al. 2015 PMID: 25741868, with internal and published modifications).